The following is an entry in ClinVar:

ClinVar aggregate classification (germline): Uncertain significance (1 of 4 stars; one submission).

Conditions:
Cardiomyopathy (CMYO). Also called: Cardiomyopathies. Identifiers: Orphanet 167848, MedGen C0878544, MONDO:0004994, HP:0001638. Inheritance: Various modes of inheritance.

gnomAD v4.1: 1 of 1,612,782 alleles (0.000062%); highest among the groups gnomAD compares: Non-Finnish European, 0.000085%; no homozygotes.

Submission:

Color Diagnostics, LLC DBA Color Health
Classification: Uncertain significance for Cardiomyopathy. Last evaluated: 2025-05-20. Review status: criteria provided, single submitter. Criteria: ACMG Guidelines, 2015. Collection method: clinical testing. Allele origin: germline.
Comment: This missense variant replaces glutamic acid with glutamine at codon 1097 of the MYH7 protein. Computational prediction is inconclusive regarding the impact of this variant on protein structure and function. To our knowledge, functional studies have not been reported for this variant. This variant has not been reported in individuals affected with MYH7-related disorders in the literature. This variant has not been identified in the general population by the Genome Aggregation Database (gnomAD). The available evidence is insufficient to determine the role of this variant in disease conclusively. Therefore, this variant is classified as a Variant of Uncertain Significance.

NM_000257.4(MYH7):c.3289G>C (p.Glu1097Gln)

Gene: MYH7 (myosin heavy chain 7; minus strand). Cytogenetic location: 14q11.2.
Variant type: single nucleotide variant.
Coding change: c.3289G>C on transcript NM_000257.4 (MANE Select); coding-DNA position 3289, G replaced by C.
Protein change: p.Glu1097Gln; replaces glutamic acid 1097 with glutamine.
Molecular consequence: missense variant.
Genome position (GRCh38, 1-based): chr14:23,421,005, C>G on the plus strand (G>C on the coding strand, the complement: MYH7 is on the minus strand). VCF-style: chr14-23421005-C-G. GRCh37 (hg19) VCF-style: chr14-23890214-C-G.
Other names: c.3289G>C, p.Glu1097Gln (NM_001407004.1); short protein forms E1097Q.
Identifiers: ClinVar variation 4756693 (VCV004756693.1).